The following is an entry in ClinVar:

ClinVar aggregate classification (germline): Likely pathogenic (1 of 4 stars; one submission).

Conditions:
Autosomal dominant Alport syndrome (ATS3A). Also called: Alport syndrome dominant type; Renal failure and sensorineural hearing loss; ALPORT SYNDROME 3A, AUTOSOMAL DOMINANT. Identifiers: Orphanet 63, Orphanet 88918, MedGen C5882663, MONDO:0007086, OMIM 104200.

Submission:

Centre de Génétique Humaine, Institut de Pathologie Et de Génétique
Classification: Likely pathogenic for Autosomal dominant Alport syndrome. Last evaluated: 2026-04-29. Review status: criteria provided, single submitter. Criteria: ACMG Guidelines, 2015. Collection method: clinical testing. Allele origin: germline. Inheritance: Autosomal dominant inheritance. Affected: yes. Observed: 1 variant allele, 1 heterozygote. Segregation with disease not observed.
Comment: This missense variant involves a highly conserved glycine located in a ‘Gly-X-Y’ motif in collagenous region, which is characteristic of the pathogenic variants identified in the COL4A4 gene (PM1,PP2). This variant is rare: absent in gnomAD v4.1.0 database (PM2). Another missense variant affecting the same residue described as LP: c.1250G>A, p.(Gly417Glu), PMID: 38972501 (PM5). In silico analysis supports that this missense variant has a deleterious effect (PP3).

NM_000092.5(COL4A4):c.1249G>A (p.Gly417Arg)

Gene: COL4A4 (collagen type IV alpha 4 chain; minus strand). Cytogenetic location: 2q36.3.
Variant type: single nucleotide variant.
Coding change: c.1249G>A on transcript NM_000092.5 (MANE Select); coding-DNA position 1249, G replaced by A.
Protein change: p.Gly417Arg; replaces glycine 417 with arginine.
Molecular consequence: missense variant.
Genome position (GRCh38, 1-based): chr2:227,094,245, C>T on the plus strand (G>A on the coding strand, the complement: COL4A4 is on the minus strand). VCF-style: chr2-227094245-C-T. GRCh37 (hg19) VCF-style: chr2-227958961-C-T.
Other names: p.(Gly417Arg); short protein forms G417R.
Identifiers: ClinVar variation 4884686 (VCV004884686.1).